The following is an entry in ClinVar:

ClinVar aggregate classification (germline): Uncertain significance (1 of 4 stars; one submission).

Conditions:
Juvenile polyposis syndrome (JPS). Identifiers: Orphanet 2929, MedGen C0345893, MONDO:0017380, OMIM 174900.

Submission:

Labcorp Genetics (formerly Invitae), Labcorp
Classification: Uncertain significance for Juvenile polyposis syndrome. Last evaluated: 2023-11-27. Review status: criteria provided, single submitter. Criteria: Invitae Variant Classification Sherloc (09022015). Collection method: clinical testing. Allele origin: germline.
Comment: This sequence change replaces valine, which is neutral and non-polar, with alanine, which is neutral and non-polar, at codon 44 of the SMAD4 protein (p.Val44Ala). This variant is not present in population databases (gnomAD no frequency). This variant has not been reported in the literature in individuals affected with SMAD4-related conditions. ClinVar contains an entry for this variant (Variation ID: 1355297). Advanced modeling of protein sequence and biophysical properties (such as structural, functional, and spatial information, amino acid conservation, physicochemical variation, residue mobility, and thermodynamic stability) has been performed at Invitae for this missense variant, however the output from this modeling did not meet the statistical confidence thresholds required to predict the impact of this variant on SMAD4 protein function. In summary, the available evidence is currently insufficient to determine the role of this variant in disease. Therefore, it has been classified as a Variant of Uncertain Significance.

NM_005359.6(SMAD4):c.131T>C (p.Val44Ala)

Gene: SMAD4 (SMAD family member 4; plus strand). Cytogenetic location: 18q21.2.
Variant type: single nucleotide variant.
Coding change: c.131T>C on transcript NM_005359.6 (MANE Select); coding-DNA position 131, T replaced by C.
Protein change: p.Val44Ala; replaces valine 44 with alanine.
Molecular consequence: missense variant.
Genome position (GRCh38, 1-based): chr18:51,047,177, T>C. VCF-style: chr18-51047177-T-C. GRCh37 (hg19) VCF-style: chr18-48573547-T-C.
Other names: short protein forms V44A.
Identifiers: ClinVar variation 1355297 (VCV001355297.8), dbSNP rs2144401151, ClinGen allele CA402457775.